The following is an entry in ClinVar:

NM_015999.6(ADIPOR1):c.684C>T (p.Phe228=)

Gene: ADIPOR1 (adiponectin receptor 1; minus strand). Cytogenetic location: 1q32.1.
Variant type: single nucleotide variant.
Coding change: c.684C>T on transcript NM_015999.6 (MANE Select); coding-DNA position 684, C replaced by T.
Protein change: p.Phe228=; no amino-acid change (phenylalanine 228 retained).
Molecular consequence: synonymous variant.
Genome position (GRCh38, 1-based): chr1:202,943,879, G>A on the plus strand (C>T on the coding strand, the complement: ADIPOR1 is on the minus strand). VCF-style: chr1-202943879-G-A. GRCh37 (hg19) VCF-style: chr1-202913007-G-A.
Other names: c.684C>T, p.Phe228= (NM_001127687.1, NM_001290553.2, NM_001290557.1 and 1 more transcripts).
Identifiers: ClinVar variation 1973813 (VCV001973813.5), dbSNP rs2527458413, ClinGen allele CA422620021.
Genomic context (GRCh38, chr1:202,943,879, plus strand): 5'-AGAAATGCCCAGGACACAGACGATGGAGAGGTAGATGAGCCGTGGCTGTGGGGAGCAGTA[G>A]AAGGAATAATAGAGCCAGGGGACAAAGCTCCCCATAATTAGAAGAGCAATCCCTGAATAG-3'
Protein context (NP_057083.2, residues 218-238): GSFVPWLYYS[Phe228=]YCSPQPRLIY

ClinVar aggregate classification (germline): Uncertain significance (1 of 4 stars; one submission).

Submission:

Labcorp Genetics (formerly Invitae), Labcorp
Classification: Uncertain significance. Last evaluated: 2022-08-21. Review status: criteria provided, single submitter. Criteria: Invitae Variant Classification Sherloc (09022015). Collection method: clinical testing. Allele origin: germline.
Comment: This sequence change affects codon 228 of the ADIPOR1 mRNA. It is a 'silent' change, meaning that it does not change the encoded amino acid sequence of the ADIPOR1 protein. This variant is not present in population databases (gnomAD no frequency). In summary, the available evidence is currently insufficient to determine the role of this variant in disease. Therefore, it has been classified as a Variant of Uncertain Significance. Algorithms developed to predict the effect of sequence changes on RNA splicing suggest that this variant may disrupt the consensus splice site. This variant has not been reported in the literature in individuals affected with ADIPOR1-related conditions.